The following is an entry in ClinVar:

NM_206933.4(USH2A):c.1551-9T>A

Gene: USH2A (usherin; minus strand). Cytogenetic location: 1q41.
Variant type: single nucleotide variant.
Coding change: c.1551-9T>A on transcript NM_206933.4 (MANE Select); 9 bases into the intron before coding-DNA position 1551, T replaced by A.
Molecular consequence: intron variant.
Genome position (GRCh38, 1-based): chr1:216,321,985, A>T on the plus strand (T>A on the coding strand, the complement: USH2A is on the minus strand). VCF-style: chr1-216321985-A-T. GRCh37 (hg19) VCF-style: chr1-216495327-A-T.
Other names: c.1551-9T>A (NM_007123.6).
Identifiers: ClinVar variation 1213941 (VCV001213941.7), dbSNP rs995537756, ClinGen allele CA2499214536.

ClinVar aggregate classification (germline): Conflicting classifications of pathogenicity. Review status: criteria provided, conflicting classifications (1 of 4 stars). 2 submissions from 2 submitters: Likely pathogenic (1); Uncertain significance (1). Last evaluated 2022-09-12.

Conditions:
Retinitis pigmentosa 39 (RP39). Identifiers: Orphanet 791, MedGen C3151138, MONDO:0013436, OMIM 613809.

Submissions (2):

Labcorp Genetics (formerly Invitae), Labcorp
Classification: Likely pathogenic. Last evaluated: 2022-09-12. Review status: criteria provided, single submitter. Criteria: Invitae Variant Classification Sherloc (09022015). Collection method: clinical testing. Allele origin: germline.
Comment: This sequence change falls in intron 8 of the USH2A gene. It does not directly change the encoded amino acid sequence of the USH2A protein. This variant is not present in population databases (gnomAD no frequency). In summary, the currently available evidence indicates that the variant is pathogenic, but additional data are needed to prove that conclusively. Therefore, this variant has been classified as Likely Pathogenic. Algorithms developed to predict the effect of sequence changes on RNA splicing suggest that this variant may disrupt the consensus splice site. ClinVar contains an entry for this variant (Variation ID: 1213941). This variant has been observed in individual(s) with clinical features of Usher syndrome (Invitae). In at least one individual the data is consistent with being in trans (on the opposite chromosome) from a pathogenic variant.

DBGen Ocular Genomics
Classification: Uncertain significance for Retinitis pigmentosa 39. Last evaluated: 2021-06-23. Review status: criteria provided, single submitter. Criteria: ACMG Guidelines, 2015. Collection method: clinical testing. Allele origin: germline. Affected: yes. Observed: 1 variant allele.